The following is an entry in ClinVar:

ClinVar aggregate classification (germline): Uncertain significance (1 of 4 stars; one submission).

Conditions:
Nemaline myopathy 2 (NEM2). Also called: Nemaline myopathy 2, autosomal recessive. Identifiers: MedGen C1850569, MONDO:0009725, OMIM 256030.

Allele frequency attached by ClinVar (database versions not stated): gnomAD 0.00001; gnomAD exomes 0.00001.
gnomAD v4.1: 10 of 1,613,656 alleles (0.00062%); highest among the groups gnomAD compares: Non-Finnish European, 0.00068%; no homozygotes.

Submission:

Labcorp Genetics (formerly Invitae), Labcorp
Classification: Uncertain significance for Nemaline myopathy 2. Last evaluated: 2024-10-17. Review status: criteria provided, single submitter. Criteria: Invitae Variant Classification Sherloc (09022015). Collection method: clinical testing. Allele origin: germline.
Comment: This sequence change replaces isoleucine, which is neutral and non-polar, with threonine, which is neutral and polar, at codon 7900 of the NEB protein (p.Ile7900Thr). This variant is not present in population databases (gnomAD no frequency). This variant has not been reported in the literature in individuals affected with NEB-related conditions. ClinVar contains an entry for this variant (Variation ID: 1445867). Experimental studies and prediction algorithms are not available or were not evaluated, and the functional significance of this variant is currently unknown. In summary, the available evidence is currently insufficient to determine the role of this variant in disease. Therefore, it has been classified as a Variant of Uncertain Significance.

NM_001164508.2(NEB):c.23594T>C (p.Ile7865Thr)

Genes: NEB (nebulin; minus strand), RIF1 (replication timing regulatory factor 1; plus strand). Cytogenetic location: 2q23.3.
Variant type: single nucleotide variant.
Coding change: c.23594T>C on transcript NM_001164508.2 (MANE Select); coding-DNA position 23594, T replaced by C.
Protein change: p.Ile7865Thr; replaces isoleucine 7865 with threonine.
Molecular consequence: missense variant.
Genome position (GRCh38, 1-based): chr2:151,506,221, A>G on the plus strand (T>C on the coding strand, the complement: NEB is on the minus strand). VCF-style: chr2-151506221-A-G. GRCh37 (hg19) VCF-style: chr2-152362735-A-G.
Other names: c.23594T>C, p.Ile7865Thr (NM_001164507.2); c.23699T>C, p.Ile7900Thr (NM_001271208.2); c.18491T>C, p.Ile6164Thr (NM_004543.5); short protein forms I6164T, I7900T, I7865T.
Identifiers: ClinVar variation 1445867 (VCV001445867.6), dbSNP rs2068741180, ClinGen allele CA348783910.